The following is an entry in ClinVar:

NM_014363.6(SACS):c.6565T>C (p.Leu2189=)

Gene: SACS (sacsin molecular chaperone; minus strand). Cytogenetic location: 13q12.12.
Variant type: single nucleotide variant.
Coding change: c.6565T>C on transcript NM_014363.6 (MANE Select); coding-DNA position 6565, T replaced by C.
Protein change: p.Leu2189=; no amino-acid change (leucine 2189 retained).
Molecular consequence: synonymous variant.
Genome position (GRCh38, 1-based): chr13:23,337,311, A>G on the plus strand (T>C on the coding strand, the complement: SACS is on the minus strand). VCF-style: chr13-23337311-A-G. GRCh37 (hg19) VCF-style: chr13-23911450-A-G.
Other names: c.6124T>C, p.Leu2042= (NM_001278055.2); c.6565T>C (NM_014363.5).
Identifiers: ClinVar variation 2189748 (VCV002189748.5), dbSNP rs771923767, ClinGen allele CA483161098.
Genomic context (GRCh38, chr13:23,337,311, plus strand): 5'-TTGCAGCAAAATCCTTTGCTCTAGGATCCCTTATTTTTAGTTTCTCATCGATAAGACTCA[A>G]TAAGATACTACTTCTTAGGCATGCAGCAACATGATCACTTTTATTAATTTCAGCTACTGA-3'
Protein context (NP_055178.3, residues 2179-2199): VAACLRSSIL[Leu2189=]SLIDEKLKIR

ClinVar aggregate classification (germline): Likely benign. Review status: criteria provided, multiple submitters, no conflicts (2 of 4 stars). 2 submissions from 2 submitters: Likely benign (2). Last evaluated 2026-01-22.

Conditions:
Spastic paraplegia. Identifiers: MedGen C0037772, HP:0001258.
SACS-related disorder. Also called: SACS-related condition.

gnomAD v4.1: 19 of 1,613,814 alleles (0.0012%); highest among the groups gnomAD compares: Non-Finnish European, 0.0014%; no homozygotes.

Submissions (2):

PreventionGenetics, part of Exact Sciences
Classification: Likely benign for SACS-related condition. Last evaluated: 2026-01-22. Review status: criteria provided, single submitter. Criteria: ACMG Guidelines, 2015. Collection method: clinical testing. Allele origin: germline.
Comment: This variant is classified as likely benign based on ACMG/AMP sequence variant interpretation guidelines (Richards et al. 2015 PMID: 25741868, with internal and published modifications).

Labcorp Genetics (formerly Invitae), Labcorp
Classification: Likely benign for Spastic paraplegia. Last evaluated: 2025-12-19. Review status: criteria provided, single submitter. Criteria: Invitae Variant Classification Sherloc (09022015). Collection method: clinical testing. Allele origin: germline.